The following is an entry in ClinVar:

ClinVar aggregate classification (germline): Uncertain significance. Review status: criteria provided, multiple submitters, no conflicts (2 of 4 stars). 3 submissions from 3 submitters: Uncertain significance (3). Last evaluated 2026-03-27.

Conditions:
Hereditary cancer-predisposing syndrome. Also called: Neoplastic Syndromes, Hereditary; Hereditary Cancer Syndrome; Tumor predisposition; Hereditary neoplastic syndrome. Identifiers: Orphanet 140162, MedGen C0027672, MeSH D009386, MONDO:0015356.
Hereditary breast ovarian cancer syndrome. Also called: Hereditary breast and ovarian cancer; BRCA1- and BRCA2-Associated Hereditary Breast and Ovarian Cancer; Hereditary breast and ovarian cancer syndrome; Hereditary breast and ovarian cancer syndrome (HBOC); Breast and ovarian cancer; Hereditary breast and/or ovarian cancer syndrome. Identifiers: Orphanet 145, MedGen C0677776, MeSH D061325, MONDO:0003582. Disease mechanism: loss of function.

Submissions (3):

Ambry Genetics
Classification: Uncertain significance for Hereditary cancer-predisposing syndrome. Last evaluated: 2026-03-27. Review status: criteria provided, single submitter. Criteria: Ambry Variant Classification Scheme 2023. Collection method: clinical testing. Allele origin: germline.
Comment: The p.I3008V variant (also known as c.9022A>G), located in coding exon 22 of the BRCA2 gene, results from an A to G substitution at nucleotide position 9022. The isoleucine at codon 3008 is replaced by valine, an amino acid with highly similar properties. The results from two saturation genome editing-based studies, including a haploid cell-survival assay and a humanized mouse embryonic stem cell line assay of drug response and survival, are discordant for this nucleotide substitution (Huang H et al. Nature. 2025 Feb;638(8050):528-537; Sahu S et al. Nature. 2025 Feb;638(8050):538-545). This amino acid position is well conserved in available vertebrate species. In addition, this alteration is predicted to be tolerated by in silico analysis. Based on the available evidence, the clinical significance of this variant remains unclear.

Labcorp Genetics (formerly Invitae), Labcorp
Classification: Uncertain significance for Hereditary breast ovarian cancer syndrome. Last evaluated: 2026-01-04. Review status: criteria provided, single submitter. Criteria: Invitae Variant Classification Sherloc (09022015). Collection method: clinical testing. Allele origin: germline.
Comment: This sequence change replaces isoleucine, which is neutral and non-polar, with valine, which is neutral and non-polar, at codon 3008 of the BRCA2 protein (p.Ile3008Val). This variant is not present in population databases (gnomAD no frequency). This variant has not been reported in the literature in individuals affected with BRCA2-related conditions. ClinVar contains an entry for this variant (Variation ID: 220925). Invitae Evidence Modeling of protein sequence and biophysical properties (such as structural, functional, and spatial information, amino acid conservation, physicochemical variation, residue mobility, and thermodynamic stability) indicates that this missense variant is not expected to disrupt BRCA2 protein function with a negative predictive value of 95%. In summary, the available evidence is currently insufficient to determine the role of this variant in disease. Therefore, it has been classified as a Variant of Uncertain Significance.

Color Diagnostics, LLC DBA Color Health
Classification: Uncertain significance for Hereditary cancer-predisposing syndrome. Last evaluated: 2023-12-04. Review status: criteria provided, single submitter. Criteria: ACMG Guidelines, 2015. Collection method: clinical testing. Allele origin: germline.
Comment: This missense variant replaces isoleucine with valine at codon 3008 of the BRCA2 protein. Computational prediction suggests that this variant may not impact protein structure and function (internally defined REVEL score threshold <= 0.5, PMID: 27666373). To our knowledge, functional studies have not been reported for this variant. This variant has not been reported in individuals affected with BRCA2-related disorders in the literature. This variant has not been identified in the general population by the Genome Aggregation Database (gnomAD). The available evidence is insufficient to determine the role of this variant in disease conclusively. Therefore, this variant is classified as a Variant of Uncertain Significance.

NM_000059.4(BRCA2):c.9022A>G (p.Ile3008Val)

Gene: BRCA2 (BRCA2 DNA repair associated; plus strand). Cytogenetic location: 13q13.1.
Variant type: single nucleotide variant.
Coding change: c.9022A>G on transcript NM_000059.4 (MANE Select); coding-DNA position 9022, A replaced by G.
Protein change: p.Ile3008Val; replaces isoleucine 3008 with valine.
Molecular consequence: missense variant.
Genome position (GRCh38, 1-based): chr13:32,379,818, A>G. VCF-style: chr13-32379818-A-G. GRCh37 (hg19) VCF-style: chr13-32953955-A-G.
Other names: short protein forms I3008V.
Identifiers: ClinVar variation 220925 (VCV000220925.15), dbSNP rs864622696, ClinGen allele CA350473.